The following is an entry in ClinVar:

NM_004560.4(ROR2):c.794G>T (p.Arg265Leu)

Gene: ROR2 (receptor tyrosine kinase like orphan receptor 2; minus strand). Cytogenetic location: 9q22.31.
Variant type: single nucleotide variant.
Coding change: c.794G>T on transcript NM_004560.4 (MANE Select); coding-DNA position 794, G replaced by T.
Protein change: p.Arg265Leu; replaces arginine 265 with leucine.
Molecular consequence: missense variant.
Genome position (GRCh38, 1-based): chr9:91,733,265, C>A on the plus strand (G>T on the coding strand, the complement: ROR2 is on the minus strand). VCF-style: chr9-91733265-C-A. GRCh37 (hg19) VCF-style: chr9-94495547-C-A.
Other names: c.794G>T, p.Arg265Leu (NM_001318204.2); short protein forms R265L.
Identifiers: ClinVar variation 3697349 (VCV003697349.2).

ClinVar aggregate classification (germline): Uncertain significance (1 of 4 stars; one submission).

gnomAD v4.1: 8 of 1,612,706 alleles (0.0005%); highest among the groups gnomAD compares: South Asian, 0.0022%; 1 homozygote.

Submission:

Labcorp Genetics (formerly Invitae), Labcorp
Classification: Uncertain significance. Last evaluated: 2024-07-24. Review status: criteria provided, single submitter. Criteria: Invitae Variant Classification Sherloc (09022015). Collection method: clinical testing. Allele origin: germline.
Comment: This sequence change replaces arginine, which is basic and polar, with leucine, which is neutral and non-polar, at codon 265 of the ROR2 protein (p.Arg265Leu). This variant is not present in population databases (gnomAD no frequency). This variant has not been reported in the literature in individuals affected with ROR2-related conditions. Advanced modeling of protein sequence and biophysical properties (such as structural, functional, and spatial information, amino acid conservation, physicochemical variation, residue mobility, and thermodynamic stability) performed at Invitae indicates that this missense variant is not expected to disrupt ROR2 protein function with a negative predictive value of 80%. In summary, the available evidence is currently insufficient to determine the role of this variant in disease. Therefore, it has been classified as a Variant of Uncertain Significance.